The following is an entry in ClinVar:

NM_198999.3(SLC26A5):c.-13A>C

Gene: SLC26A5 (solute carrier family 26 member 5; minus strand). Cytogenetic location: 7q22.1.
Variant type: single nucleotide variant.
Coding change: c.-13A>C on transcript NM_198999.3 (MANE Select); 13 bases upstream of the start codon, A replaced by C.
Molecular consequence: 5 prime UTR variant. On other transcripts: non-coding transcript variant (5).
Genome position (GRCh38, 1-based): chr7:103,421,527, T>G on the plus strand (A>C on the coding strand, the complement: SLC26A5 is on the minus strand). VCF-style: chr7-103421527-T-G. GRCh37 (hg19) VCF-style: chr7-103061974-T-G.
Other names: c.-13A>C (NM_001167962.2, NM_001321787.2, NM_206883.3 and 2 more transcripts).
Identifiers: ClinVar variation 48334 (VCV000048334.7), dbSNP rs142432368, ClinGen allele CA143202.

ClinVar aggregate classification (germline): Benign/Likely benign. Review status: criteria provided, multiple submitters, no conflicts (2 of 4 stars). 3 submissions from 3 submitters: Benign (1); Likely benign (2). Last evaluated 2024-11-26.

Allele frequency attached by ClinVar (database versions not stated): ExAC 0.00070; ESP Exome Variant Server 0.00154; 1000 Genomes Project 30x 0.00234; gnomAD 0.00252 and 0.00273; TOPMed 0.00257; 1000 Genomes Project 0.00260; gnomAD exomes 0.00024 and 0.00059.
gnomAD v4.1: 762 of 1,613,836 alleles (0.047%); highest among the groups gnomAD compares: African/African-American, 0.87%; 4 homozygotes.

Submissions (3):

Blueprint Genetics
Classification: Likely benign. Last evaluated: 2024-11-26. Review status: criteria provided, single submitter. Criteria: ACMG Guidelines, 2015. Collection method: clinical testing. Allele origin: germline.

GeneDx
Classification: Benign. Last evaluated: 2020-07-28. Review status: criteria provided, single submitter. Criteria: GeneDx Variant Classification Process June 2021. Collection method: clinical testing. Allele origin: germline. Affected: yes.

Laboratory for Molecular Medicine, Mass General Brigham Personalized Medicine
Classification: Likely benign. Last evaluated: 2013-01-30. Review status: criteria provided, single submitter. Criteria: LMM Criteria. Collection method: clinical testing. Allele origin: germline. Observed: 4 variant alleles.
Comment: -13A>C in Exon 03 of SLC26A5: This variant is not expected to have clinical sign ificance because it has been identified in 0.5% (20/4406) of African American ch romosomes from a broad population by the NHLBI Exome Sequencing Project (dbSNP rs142432368).